The following is an entry in ClinVar:

NM_022168.4(IFIH1):c.454-4A>G

Gene: IFIH1 (interferon induced with helicase C domain 1; minus strand). Cytogenetic location: 2q24.2.
Variant type: single nucleotide variant.
Coding change: c.454-4A>G on transcript NM_022168.4 (MANE Select); 4 bases into the intron before coding-DNA position 454, A replaced by G.
Molecular consequence: intron variant.
Genome position (GRCh38, 1-based): chr2:162,310,937, T>C on the plus strand (A>G on the coding strand, the complement: IFIH1 is on the minus strand). VCF-style: chr2-162310937-T-C. GRCh37 (hg19) VCF-style: chr2-163167447-T-C.
Identifiers: ClinVar variation 951587 (VCV000951587.9), dbSNP rs1683376303, ClinGen allele CA1139657280.

ClinVar aggregate classification (germline): Uncertain significance (1 of 4 stars; one submission).

Conditions:
Aicardi-Goutieres syndrome 7 (AGS7). Identifiers: Orphanet 51, MedGen C3888244, MONDO:0014367, OMIM 615846.
Singleton-Merten syndrome 1 (SGMRT1). Also called: Widened medullary cavities of bone, aortic calcification, abnormal dentition, and muscular weakness; Syndrome of widened medullary cavities of the metacarpals and phalanges, aortic calcification and abnormal dentition. Identifiers: Orphanet 85191, MedGen C4225427, MONDO:0024535, OMIM 182250.

Allele frequency attached by ClinVar (database versions not stated): gnomAD exomes 0.00001.
gnomAD v4.1: 6 of 1,609,330 alleles (0.00037%); highest among the groups gnomAD compares: Non-Finnish European, 0.00051%; no homozygotes.

Submission:

Labcorp Genetics (formerly Invitae), Labcorp
Classification: Uncertain significance for Aicardi-Goutieres syndrome 7; Singleton-Merten syndrome 1. Last evaluated: 2024-10-16. Review status: criteria provided, single submitter. Criteria: Invitae Variant Classification Sherloc (09022015). Collection method: clinical testing. Allele origin: germline.
Comment: This sequence change falls in intron 1 of the IFIH1 gene. It does not directly change the encoded amino acid sequence of the IFIH1 protein. This variant is not present in population databases (gnomAD no frequency). This variant has not been reported in the literature in individuals affected with IFIH1-related conditions. ClinVar contains an entry for this variant (Variation ID: 951587). Algorithms developed to predict the effect of sequence changes on RNA splicing suggest that this variant may disrupt the consensus splice site. In summary, the available evidence is currently insufficient to determine the role of this variant in disease. Therefore, it has been classified as a Variant of Uncertain Significance.